The following is an entry in ClinVar:

ClinVar aggregate classification (germline): Likely benign (1 of 4 stars; one submission).

Allele frequency attached by ClinVar (database versions not stated): ESP Exome Variant Server 0.00194; 1000 Genomes Project 0.00300; 1000 Genomes Project 30x 0.00359.
gnomAD v4.1: 787 of 1,571,494 alleles (0.05%); highest among the groups gnomAD compares: African/African-American, 0.93%; 6 homozygotes.

Submission:

CeGaT Center for Human Genetics Tuebingen
Classification: Likely benign. Last evaluated: 2023-12-01. Review status: criteria provided, single submitter. Criteria: CeGaT Center For Human Genetics Tuebingen Variant Classification Criteria Version 2. Collection method: clinical testing. Allele origin: germline. Affected: yes. Observed: 2 variant alleles.
Comment: EMC10: BP4, BS2

NM_206538.4(EMC10):c.-6G>C

Genes: EMC10 (ER membrane protein complex subunit 10; plus strand), GARIN5A (golgi associated RAB2 interactor 5A; minus strand). Cytogenetic location: 19q13.33.
Variant type: single nucleotide variant.
Coding change: c.-6G>C on transcript NM_206538.4 (MANE Select); 6 bases upstream of the start codon, G replaced by C.
Molecular consequence: 5 prime UTR variant.
Genome position (GRCh38, 1-based): chr19:50,476,539, G>C. VCF-style: chr19-50476539-G-C. GRCh37 (hg19) VCF-style: chr19-50979796-G-C.
Other names: c.-151C>G (NM_001308429.2, NM_138411.3); c.-6G>C (NM_175063.6).
Identifiers: ClinVar variation 2650339 (VCV002650339.24), dbSNP rs150737582, ClinGen allele CA9598868.